The following is an entry in ClinVar:

NM_002907.4(RECQL):c.304G>A (p.Val102Ile)

Gene: RECQL (RecQ like helicase; minus strand). Cytogenetic location: 12p12.1.
Variant type: single nucleotide variant.
Coding change: c.304G>A on transcript NM_002907.4 (MANE Select); coding-DNA position 304, G replaced by A.
Protein change: p.Val102Ile; replaces valine 102 with isoleucine.
Molecular consequence: missense variant.
Genome position (GRCh38, 1-based): chr12:21,490,289, C>T on the plus strand (G>A on the coding strand, the complement: RECQL is on the minus strand). VCF-style: chr12-21490289-C-T. GRCh37 (hg19) VCF-style: chr12-21643223-C-T.
Other names: c.304G>A, p.Val102Ile (NM_032941.3); short protein forms V102I.
Identifiers: ClinVar variation 506629 (VCV000506629.17), dbSNP rs1065751, ClinGen allele CA6479136.
Genomic context (GRCh38, chr12:21,490,289, plus strand): 5'-ATAAGCTCTTTCCACCTCCTGTAGGCATAACAAGAAATACCTCCTTTCCAGCCATTGTTA[C>T]GTTAATAGTTTCAAGCTGAAGTGGTCTGAACTTTTCCAGTTTAAAGACATTTTGCAGAAT-3'
Protein context (NP_002898.2, residues 92-112): FRPLQLETIN[Val102Ile]TMAGKEVFLV

ClinVar aggregate classification (germline): Benign. Review status: criteria provided, multiple submitters, no conflicts (2 of 4 stars). 6 submissions from 6 submitters: Benign (6). Last evaluated 2026-02-03.

Conditions:
RECON progeroid syndrome (RECON). Identifiers: MedGen C5830504, MONDO:0957266, OMIM 620370.

Allele frequency attached by ClinVar (database versions not stated): gnomAD exomes 0.01030; ExAC 0.01265; gnomAD 0.03896; TOPMed 0.04409; 1000 Genomes Project 30x 0.04435; 1000 Genomes Project 0.04493; ESP Exome Variant Server 0.04775.
gnomAD v4.1: 11,941 of 1,612,448 alleles (0.74%); highest among the groups gnomAD compares: African/African-American, 14%; 695 homozygotes.

Submissions (6):

Labcorp Genetics (formerly Invitae), Labcorp
Classification: Benign. Last evaluated: 2026-02-03. Review status: criteria provided, single submitter. Criteria: Invitae Variant Classification Sherloc (09022015). Collection method: clinical testing. Allele origin: germline.

Quest Diagnostics Nichols Institute San Juan Capistrano
Classification: Benign. Last evaluated: 2025-03-25. Review status: criteria provided, single submitter. Criteria: Quest Diagnostics criteria. Collection method: clinical testing. Allele origin: unknown.

Department of Pathology and Laboratory Medicine, Sinai Health System
Classification: Benign for RECON progeroid syndrome. Last evaluated: 2023-06-09. Review status: criteria provided, single submitter. Criteria: ACMG Guidelines, 2015. Collection method: clinical testing. Allele origin: germline. Affected: no.

Ambry Genetics
Classification: Benign. Last evaluated: 2020-07-30. Review status: criteria provided, single submitter. Criteria: Ambry Variant Classification Scheme 2023. Collection method: clinical testing. Allele origin: germline.

GeneDx
Classification: Benign. Last evaluated: 2017-12-22. Review status: criteria provided, single submitter. Criteria: GeneDx Variant Classification (06012015). Collection method: clinical testing. Allele origin: germline. Affected: yes.
Comment: This variant is considered likely benign or benign based on one or more of the following criteria: it is a conservative change, it occurs at a poorly conserved position in the protein, it is predicted to be benign by multiple in silico algorithms, and/or has population frequency not consistent with disease.

Breakthrough Genomics
Classification: Benign. Review status: criteria provided, single submitter. Criteria: ACMG Guidelines, 2015. Collection method: not provided. Allele origin: germline. Inheritance: Unknown mechanism. Affected: yes.

Literature cited by the submitters: PubMed 31469826 (cited by Quest Diagnostics Nichols Institute San Juan Capistrano); PubMed 23852950 (cited by Quest Diagnostics Nichols Institute San Juan Capistrano); PubMed 33471991 (cited by Quest Diagnostics Nichols Institute San Juan Capistrano).